The following is an entry in ClinVar:

ClinVar aggregate classification (germline): Uncertain significance (1 of 4 stars; one submission).

Conditions:
TTN-related disorder. Also called: TTN-related disorders; TTN-related condition; TTN-related disease.

gnomAD v4.1: 2 of 1,613,400 alleles (0.00012%); highest among the groups gnomAD compares: Non-Finnish European, 0.00017%; no homozygotes.

Submission:

PreventionGenetics, part of Exact Sciences
Classification: Uncertain significance for TTN-related condition. Last evaluated: 2026-07-15. Review status: criteria provided, single submitter. Criteria: ACMG Guidelines, 2015. Collection method: clinical testing. Allele origin: germline.
Comment: The TTN c.75332T>C variant is predicted to result in the amino acid substitution p.Ile25111Thr. To our knowledge, this variant has not been reported in the literature or in a large population database (gnomAD), indicating this variant is rare. At this time, the clinical significance of this variant is uncertain due to the absence of conclusive functional and genetic evidence.

NM_001267550.2(TTN):c.75332T>C (p.Ile25111Thr)

Genes: TTN (titin; minus strand), TTN-AS1 (TTN antisense RNA 1; plus strand). Cytogenetic location: 2q31.2.
Variant type: single nucleotide variant.
Coding change: c.75332T>C on transcript NM_001267550.2 (MANE Select); coding-DNA position 75332, T replaced by C.
Protein change: p.Ile25111Thr; replaces isoleucine 25111 with threonine.
Molecular consequence: missense variant.
Genome position (GRCh38, 1-based): chr2:178,570,800, A>G on the plus strand (T>C on the coding strand, the complement: TTN is on the minus strand). VCF-style: chr2-178570800-A-G. GRCh37 (hg19) VCF-style: chr2-179435527-A-G.
Other names: c.70409T>C, p.Ile23470Thr (NM_001256850.1); c.48137T>C, p.Ile16046Thr (NM_003319.4); c.67628T>C, p.Ile22543Thr (NM_133378.4); c.48512T>C, p.Ile16171Thr (NM_133432.3); c.48713T>C, p.Ile16238Thr (NM_133437.4); short protein forms I16171T, I16238T, I22543T, I25111T, I16046T, I23470T.
Identifiers: ClinVar variation 4984089 (VCV004984089.1).